The following is an entry in ClinVar:

ClinVar aggregate classification (germline): Pathogenic (1 of 4 stars; one submission).

Conditions:
Cohen syndrome (COH1). Also called: Cutis verticis gyrata, retinitis pigmentosa, and sensorineural deafness; PEPPER SYNDROME. Identifiers: Orphanet 193, MedGen C0265223, MONDO:0008999, OMIM 216550.

Submission:

Labcorp Genetics (formerly Invitae), Labcorp
Classification: Pathogenic for Cohen syndrome. Last evaluated: 2023-12-17. Review status: criteria provided, single submitter. Criteria: Invitae Variant Classification Sherloc (09022015). Collection method: clinical testing. Allele origin: germline.
Comment: This sequence change creates a premature translational stop signal (p.Gln2547Serfs*3) in the VPS13B gene. It is expected to result in an absent or disrupted protein product. Loss-of-function variants in VPS13B are known to be pathogenic (PMID: 15141358, 16648375, 20461111). This variant is not present in population databases (gnomAD no frequency). This variant has not been reported in the literature in individuals affected with VPS13B-related conditions. For these reasons, this variant has been classified as Pathogenic.

Literature cited by the submitters: PubMed 15141358; PubMed 16648375; PubMed 20461111.

NM_152564.5(VPS13B):c.7564del (p.Gln2522fs)

Gene: VPS13B (vacuolar protein sorting 13 homolog B; plus strand). Cytogenetic location: 8q22.2.
Variant type: Deletion.
Coding change: c.7564del on transcript NM_152564.5 (MANE Select); coding-DNA position 7564, one base deleted (C; older notation c.7564delC).
Protein change: p.Gln2522fs; shifts the reading frame from glutamine 2522.
Molecular consequence: frameshift variant.
Genome position (GRCh38, 1-based): chr8:99,778,816, C deleted; the last of 2 consecutive C bases (chr8:99,778,815-99,778,816); deleting either gives the same sequence. VCF-style (leftmost placement, unchanged base first): chr8-99778814-TC-T. GRCh37 (hg19) VCF-style: chr8-100791042-TC-T.
Other names: c.7639del, p.Gln2547fs (NM_017890.5); short protein forms Q2522fs, Q2547fs.
Identifiers: ClinVar variation 2703730 (VCV002703730.3), dbSNP rs2491842486, ClinGen allele CA2697550072.
Genomic context (GRCh38, chr8:99,778,814, plus strand): 5'-CCTTCAGAGAACCACACATGTATCTTCGACAGTGGAATAATGGTTCTGTCTGTCAGGAGA[TC>T]CAGTTCTTAGCTCAAGCAGACTGTAAACTTCTAGAGTGCAGAAATGTCACTATGCAAAGT-3'